The following is an entry in ClinVar:

ClinVar aggregate classification (germline): Uncertain significance (1 of 4 stars; one submission).

Conditions:
Inborn genetic diseases. Identifiers: MedGen C0950123, MeSH D030342.

Submission:

Ambry Genetics
Classification: Uncertain significance for Inborn genetic diseases. Last evaluated: 2021-12-16. Review status: criteria provided, single submitter. Criteria: Ambry Variant Classification Scheme 2023. Collection method: clinical testing. Allele origin: germline.
Comment: The c.2644T>G (p.F882V) alteration is located in exon 10 (coding exon 10) of the CRB2 gene. This alteration results from a T to G substitution at nucleotide position 2644, causing the phenylalanine (F) at amino acid position 882 to be replaced by a valine (V). The p.F882V alteration is predicted to be tolerated by in silico analysis. Based on insufficient or conflicting evidence, the clinical significance of this alteration remains unclear.

NM_173689.7(CRB2):c.2644T>G (p.Phe882Val)

Gene: CRB2 (crumbs cell polarity complex component 2; plus strand). Cytogenetic location: 9q33.3.
Variant type: single nucleotide variant.
Coding change: c.2644T>G on transcript NM_173689.7 (MANE Select); coding-DNA position 2644, T replaced by G.
Protein change: p.Phe882Val; replaces phenylalanine 882 with valine.
Molecular consequence: missense variant. On other transcripts: non-coding transcript variant (1).
Genome position (GRCh38, 1-based): chr9:123,373,175, T>G. VCF-style: chr9-123373175-T-G. GRCh37 (hg19) VCF-style: chr9-126135454-T-G.
Other names: short protein forms F882V.
Identifiers: ClinVar variation 2405164 (VCV002405164.2), dbSNP rs2550687680, ClinGen allele CA374867147.
Genomic context (GRCh38, chr9:123,373,175, plus strand): 5'-AGGCTCCTTCTCTCCGCAGGTGTGGCGGAGGCCACGTTCCGCGAGGGTCCCCCCGCCGCG[T>G]TCAGCGGGCACAACGCGTCGTCAGGGCGCTTGCTCGGCGGCCTGTCGCTGGCCTTTCGCA-3'
Protein context (NP_775960.4, residues 872-892): ATFREGPPAA[Phe882Val]SGHNASSGRL